The following is an entry in ClinVar:

NM_003072.5(SMARCA4):c.2735C>T (p.Thr912Ile)

Gene: SMARCA4 (SWI/SNF related BAF chromatin remodeling complex subunit ATPase 4; plus strand). Cytogenetic location: 19p13.2.
Variant type: single nucleotide variant.
Coding change: c.2735C>T on transcript NM_003072.5 (MANE Select); coding-DNA position 2735, C replaced by T.
Protein change: p.Thr912Ile; replaces threonine 912 with isoleucine.
Molecular consequence: missense variant. On other transcripts: non-coding transcript variant (1).
Genome position (GRCh38, 1-based): chr19:11,021,843, C>T. VCF-style: chr19-11021843-C-T. GRCh37 (hg19) VCF-style: chr19-11132519-C-T.
Other names: c.2735C>T, p.Thr912Ile (NM_001128844.3, NM_001128845.2, NM_001128846.2 and 5 more transcripts); short protein forms T912I.
Identifiers: ClinVar variation 654086 (VCV000654086.8), dbSNP rs1600278606, ClinGen allele CA404056250.

ClinVar aggregate classification (germline): Uncertain significance (1 of 4 stars; one submission).

Conditions:
Rhabdoid tumor predisposition syndrome 2 (RTPS2). Identifiers: Orphanet 231108, Orphanet 69077, MedGen C2750074, MONDO:0013224, OMIM 613325.

Submission:

Labcorp Genetics (formerly Invitae), Labcorp
Classification: Uncertain significance for Rhabdoid tumor predisposition syndrome 2. Last evaluated: 2018-12-21. Review status: criteria provided, single submitter. Criteria: Invitae Variant Classification Sherloc (09022015). Collection method: clinical testing. Allele origin: germline.
Comment: This variant has not been reported in the literature in individuals with SMARCA4-related conditions. In summary, the available evidence is currently insufficient to determine the role of this variant in disease. Therefore, it has been classified as a Variant of Uncertain Significance. Algorithms developed to predict the effect of missense changes on protein structure and function (SIFT, PolyPhen-2, Align-GVGD) all suggest that this variant is likely to be disruptive, but these predictions have not been confirmed by published functional studies and their clinical significance is uncertain. This variant is not present in population databases (ExAC no frequency). This sequence change replaces threonine with isoleucine at codon 912 of the SMARCA4 protein (p.Thr912Ile). The threonine residue is highly conserved and there is a moderate physicochemical difference between threonine and isoleucine.